The following is an entry in ClinVar:

NM_001378778.1(MPDZ):c.5360C>T (p.Ala1787Val)

Gene: MPDZ (multiple PDZ domain crumbs cell polarity complex component; minus strand). Cytogenetic location: 9p23.
Variant type: single nucleotide variant.
Coding change: c.5360C>T on transcript NM_001378778.1 (MANE Select); coding-DNA position 5360, C replaced by T.
Protein change: p.Ala1787Val; replaces alanine 1787 with valine.
Molecular consequence: missense variant.
Genome position (GRCh38, 1-based): chr9:13,119,521, G>A on the plus strand (C>T on the coding strand, the complement: MPDZ is on the minus strand). VCF-style: chr9-13119521-G-A. GRCh37 (hg19) VCF-style: chr9-13119520-G-A.
Other names: c.5261C>T, p.Ala1754Val (NM_001261406.2, NM_001261407.2, NM_001375416.1 and 3 more transcripts); c.5360C>T, p.Ala1787Val (NM_001330637.2, NM_003829.5); c.5459C>T, p.Ala1820Val (NM_001375413.1); c.5150C>T, p.Ala1717Val (NM_001375420.1, NM_001375421.1, NM_001375422.1 and 4 more transcripts); c.4952C>T, p.Ala1651Val (NM_001375427.1); short protein forms A1651V, A1717V, A1754V, A1787V, A1820V.
Identifiers: ClinVar variation 1467358 (VCV001467358.4), dbSNP rs772107315, ClinGen allele CA4986339.

ClinVar aggregate classification (germline): Uncertain significance (1 of 4 stars; one submission).

Allele frequency attached by ClinVar (database versions not stated): ExAC 0.00001; gnomAD 0.00001 and 0.00002; gnomAD exomes 0.00002 and 0.00005; TOPMed 0.00005.
gnomAD v4.1: 68 of 1,611,064 alleles (0.0042%); highest among the groups gnomAD compares: Non-Finnish European, 0.0052%; no homozygotes.

Submission:

Labcorp Genetics (formerly Invitae), Labcorp
Classification: Uncertain significance. Last evaluated: 2026-01-01. Review status: criteria provided, single submitter. Criteria: Invitae Variant Classification Sherloc (09022015). Collection method: clinical testing. Allele origin: germline.
Comment: This sequence change replaces alanine, which is neutral and non-polar, with valine, which is neutral and non-polar, at codon 1787 of the MPDZ protein (p.Ala1787Val). This variant is present in population databases (rs772107315, gnomAD 0.005%). This variant has not been reported in the literature in individuals affected with MPDZ-related conditions. ClinVar contains an entry for this variant (Variation ID: 1467358). An algorithm developed to predict the effect of missense changes on protein structure and function outputs the following: PolyPhen-2: "Benign". The valine amino acid residue is found in multiple mammalian species, which suggests that this missense change does not adversely affect protein function. In summary, the available evidence is currently insufficient to determine the role of this variant in disease. Therefore, it has been classified as a Variant of Uncertain Significance.